The following is an entry in ClinVar:

ClinVar aggregate classification (germline): Likely benign (0 of 4 stars; one submission).

Conditions:
CFAP43-related disorder. Also called: CFAP43-related condition.

gnomAD v4.1: 40 of 1,613,994 alleles (0.0025%); highest among the groups gnomAD compares: Non-Finnish European, 0.0031%; no homozygotes.

Submission:

PreventionGenetics, part of Exact Sciences
Classification: Likely benign for CFAP43-related condition. Last evaluated: 2019-06-12. Review status: no assertion criteria provided. Collection method: clinical testing. Allele origin: germline.
Comment: This variant is classified as likely benign based on ACMG/AMP sequence variant interpretation guidelines (Richards et al. 2015 PMID: 25741868, with internal and published modifications).

NM_025145.7(CFAP43):c.4134A>C (p.Arg1378=)

Gene: CFAP43 (cilia and flagella associated protein 43; minus strand). Cytogenetic location: 10q25.1.
Variant type: single nucleotide variant.
Coding change: c.4134A>C on transcript NM_025145.7 (MANE Select); coding-DNA position 4134, A replaced by C.
Protein change: p.Arg1378=; no amino-acid change (arginine 1378 retained).
Molecular consequence: synonymous variant.
Genome position (GRCh38, 1-based): chr10:104,143,450, T>G on the plus strand (A>C on the coding strand, the complement: CFAP43 is on the minus strand). VCF-style: chr10-104143450-T-G. GRCh37 (hg19) VCF-style: chr10-105903208-T-G.
Identifiers: ClinVar variation 3034143 (VCV003034143.2), dbSNP rs201272158, ClinGen allele CA212439161.